The following is an entry in ClinVar:

ClinVar aggregate classification (germline): Uncertain significance (1 of 4 stars; one submission).

Submission:

Labcorp Genetics (formerly Invitae), Labcorp
Classification: Uncertain significance. Last evaluated: 2024-11-25. Review status: criteria provided, single submitter. Criteria: Invitae Variant Classification Sherloc (09022015). Collection method: clinical testing. Allele origin: germline.
Comment: This sequence change replaces glutamic acid, which is acidic and polar, with glutamine, which is neutral and polar, at codon 229 of the COL11A2 protein (p.Glu229Gln). This variant is not present in population databases (gnomAD no frequency). This variant has not been reported in the literature in individuals affected with COL11A2-related conditions. Invitae Evidence Modeling of protein sequence and biophysical properties (such as structural, functional, and spatial information, amino acid conservation, physicochemical variation, residue mobility, and thermodynamic stability) indicates that this missense variant is not expected to disrupt COL11A2 protein function with a negative predictive value of 95%. In summary, the available evidence is currently insufficient to determine the role of this variant in disease. Therefore, it has been classified as a Variant of Uncertain Significance.

NM_080680.3(COL11A2):c.685G>C (p.Glu229Gln)

Gene: COL11A2 (collagen type XI alpha 2 chain; minus strand). Cytogenetic location: 6p21.32.
Variant type: single nucleotide variant.
Coding change: c.685G>C on transcript NM_080680.3 (MANE Select); coding-DNA position 685, G replaced by C.
Protein change: p.Glu229Gln; replaces glutamic acid 229 with glutamine.
Molecular consequence: missense variant. On other transcripts: 5 prime UTR variant (3), non-coding transcript variant (1).
Genome position (GRCh38, 1-based): chr6:33,186,740, C>G on the plus strand (G>C on the coding strand, the complement: COL11A2 is on the minus strand). VCF-style: chr6-33186740-C-G. GRCh37 (hg19) VCF-style: chr6-33154517-C-G.
Other names: c.685G>C, p.Glu229Gln (NM_001163771.2, NM_001424108.1, NM_080679.3 and 1 more transcripts); c.-162G>C (NM_001424109.1, NM_001424110.1, NM_001424111.1); short protein forms E229Q.
Identifiers: ClinVar variation 3708308 (VCV003708308.2).